The following is an entry in ClinVar:

NM_025132.4(WDR19):c.3702C>G (p.Ile1234Met)

Gene: WDR19 (WD repeat domain 19; plus strand). Cytogenetic location: 4p14.
Variant type: single nucleotide variant.
Coding change: c.3702C>G on transcript NM_025132.4 (MANE Select); coding-DNA position 3702, C replaced by G.
Protein change: p.Ile1234Met; replaces isoleucine 1234 with methionine.
Molecular consequence: missense variant.
Genome position (GRCh38, 1-based): chr4:39,274,944, C>G. VCF-style: chr4-39274944-C-G. GRCh37 (hg19) VCF-style: chr4-39276564-C-G.
Other names: c.3222C>G, p.Ile1074Met (NM_001317924.2); c.3702C>G (NM_025132.3); short protein forms I1074M, I1234M.
Identifiers: ClinVar variation 1428922 (VCV001428922.7), dbSNP rs1306554397, ClinGen allele CA356650822.

ClinVar aggregate classification (germline): Uncertain significance. Review status: criteria provided, multiple submitters, no conflicts (2 of 4 stars). 3 submissions from 3 submitters: Uncertain significance (3). Last evaluated 2023-08-21.

Conditions:
Senior-Loken syndrome 8 (SLSN8). Identifiers: Orphanet 3156, MedGen C4225376, MONDO:0014579, OMIM 616307.
Asphyxiating thoracic dystrophy 5 (SRTD5). Also called: SHORT-RIB THORACIC DYSPLASIA 5 WITH OR WITHOUT POLYDACTYLY; SHORT-RIB THORACIC DYSPLASIA 5 WITHOUT POLYDACTYLY. Identifiers: Orphanet 474, MedGen C3280598, MONDO:0013717, OMIM 614376.
Inborn genetic diseases. Identifiers: MedGen C0950123, MeSH D030342.

Allele frequency attached by ClinVar (database versions not stated): gnomAD 0.00002.
gnomAD v4.1: 73 of 1,613,810 alleles (0.0045%); highest among the groups gnomAD compares: Non-Finnish European, 0.0059%; no homozygotes.

Submissions (3):

Ambry Genetics
Classification: Uncertain significance for Inborn genetic diseases. Last evaluated: 2023-08-21. Review status: criteria provided, single submitter. Criteria: Ambry Variant Classification Scheme 2023. Collection method: clinical testing. Allele origin: germline.

Labcorp Genetics (formerly Invitae), Labcorp
Classification: Uncertain significance for Senior-Loken syndrome 8; Asphyxiating thoracic dystrophy 5. Last evaluated: 2022-06-15. Review status: criteria provided, single submitter. Criteria: Invitae Variant Classification Sherloc (09022015). Collection method: clinical testing. Allele origin: germline.
Comment: This sequence change replaces isoleucine, which is neutral and non-polar, with methionine, which is neutral and non-polar, at codon 1234 of the WDR19 protein (p.Ile1234Met). This variant is present in population databases (no rsID available, gnomAD 0.002%). This variant has not been reported in the literature in individuals affected with WDR19-related conditions. Algorithms developed to predict the effect of missense changes on protein structure and function are either unavailable or do not agree on the potential impact of this missense change (SIFT: "Deleterious"; PolyPhen-2: "Probably Damaging"; Align-GVGD: "Class C0"). In summary, the available evidence is currently insufficient to determine the role of this variant in disease. Therefore, it has been classified as a Variant of Uncertain Significance.

Blueprint Genetics
Classification: Uncertain significance. Last evaluated: 2021-09-03. Review status: criteria provided, single submitter. Criteria: ACMG Guidelines, 2015. Collection method: clinical testing. Allele origin: germline.